The following is an entry in ClinVar:

NM_024652.6(LRRK1):c.451C>T (p.Arg151Trp)

Gene: LRRK1 (leucine rich repeat kinase 1; plus strand). Cytogenetic location: 15q26.3.
Variant type: single nucleotide variant.
Coding change: c.451C>T on transcript NM_024652.6 (MANE Select); coding-DNA position 451, C replaced by T.
Protein change: p.Arg151Trp; replaces arginine 151 with tryptophan.
Molecular consequence: missense variant.
Genome position (GRCh38, 1-based): chr15:100,988,651, C>T. VCF-style: chr15-100988651-C-T. GRCh37 (hg19) VCF-style: chr15-101528856-C-T.
Other names: c.451C>T (NM_024652.3); short protein forms R151W.
Identifiers: ClinVar variation 1919253 (VCV001919253.3), dbSNP rs552211004, ClinGen allele CA7760608.

ClinVar aggregate classification (germline): Uncertain significance. Review status: criteria provided, multiple submitters, no conflicts (2 of 4 stars). 2 submissions from 2 submitters: Uncertain significance (2). Last evaluated 2024-02-12.

Conditions:
Inborn genetic diseases. Identifiers: MedGen C0950123, MeSH D030342.

Allele frequency attached by ClinVar (database versions not stated): ExAC 0.00002; 1000 Genomes Project 30x 0.00016; 1000 Genomes Project 0.00020.

Submissions (2):

Ambry Genetics
Classification: Uncertain significance for Inborn genetic diseases. Last evaluated: 2024-02-12. Review status: criteria provided, single submitter. Criteria: Ambry Variant Classification Scheme 2023. Collection method: clinical testing. Allele origin: germline.

Labcorp Genetics (formerly Invitae), Labcorp
Classification: Uncertain significance. Last evaluated: 2022-08-31. Review status: criteria provided, single submitter. Criteria: Invitae Variant Classification Sherloc (09022015). Collection method: clinical testing. Allele origin: germline.
Comment: This sequence change replaces arginine, which is basic and polar, with tryptophan, which is neutral and slightly polar, at codon 151 of the LRRK1 protein (p.Arg151Trp). This variant is present in population databases (rs552211004, gnomAD 0.003%). This variant has not been reported in the literature in individuals affected with LRRK1-related conditions. Algorithms developed to predict the effect of missense changes on protein structure and function are either unavailable or do not agree on the potential impact of this missense change (SIFT: "Deleterious"; PolyPhen-2: "Probably Damaging"; Align-GVGD: "Class C0"). In summary, the available evidence is currently insufficient to determine the role of this variant in disease. Therefore, it has been classified as a Variant of Uncertain Significance.